The following is an entry in ClinVar:

ClinVar aggregate classification (germline): Likely pathogenic. Review status: criteria provided, multiple submitters, no conflicts (2 of 4 stars). 2 submissions from 2 submitters: Likely pathogenic (2). Last evaluated 2024-10-21.

Conditions:
Dilated cardiomyopathy 1G (CMD1G). Identifiers: Orphanet 154, MedGen C1858763, MONDO:0011400, OMIM 604145.
Autosomal recessive limb-girdle muscular dystrophy type 2J (LGMDR10). Also called: Limb-girdle muscular dystrophy, type 2J; MUSCULAR DYSTROPHY, LIMB-GIRDLE, AUTOSOMAL RECESSIVE 10. Identifiers: Orphanet 140922, MedGen C1837342, MONDO:0012127, OMIM 608807.

Submissions (2):

Labcorp Genetics (formerly Invitae), Labcorp
Classification: Likely pathogenic for Dilated cardiomyopathy 1G; Autosomal recessive limb-girdle muscular dystrophy type 2J. Last evaluated: 2024-10-21. Review status: criteria provided, single submitter. Criteria: Invitae Variant Classification Sherloc (09022015). Collection method: clinical testing. Allele origin: germline.
Comment: This sequence change creates a premature translational stop signal (p.Ser28169Ilefs*12) in the TTN gene. While this is not anticipated to result in nonsense mediated decay, it is expected to create a truncated TTN protein. This variant is not present in population databases (gnomAD no frequency). This premature translational stop signal has been observed in individual(s) with dilated cardiomyopathy (PMID: 35054181). ClinVar contains an entry for this variant (Variation ID: 2572999). This variant is located in the A band of TTN (PMID: 25589632). Truncating variants in this region are significantly overrepresented in patients affected with dilated cardiomyopathy (PMID: 25589632). Truncating variants in this region have also been reported in individuals affected with autosomal recessive centronuclear myopathy (PMID: 23975875). In summary, the currently available evidence indicates that the variant is pathogenic, but additional data are needed to prove that conclusively. Therefore, this variant has been classified as Likely Pathogenic.

Illumina Laboratory Services, Illumina
Classification: Likely pathogenic for Dilated cardiomyopathy 1G. Last evaluated: 2023-01-09. Review status: criteria provided, single submitter. Criteria: ICSLVariantClassificationCriteria RUGD 01 April 2020. Collection method: clinical testing. Allele origin: unknown.
Comment: The TTN c.84504dup (p.Ser28169IlefsTer12) variant results in the duplication of a nucleotide at position c.84504, causing a shift in the protein reading frame that is predicted to result in premature termination of the protein. Loss of normal protein function through either protein truncation or nonsense-mediated mRNA decay is expected. This variant is located in exon 327 of the meta transcript of titin within the A-band, which is highly expressed cardiac tissue (PMID: 25589632). In a meta-analysis of TTN truncating variants in patients with dilated cardiomyopathy (DCM) and controls, variants in this region were associated with a significantly increased risk of developing DCM (odds ratio 49.8) (PMID: 27869827). This variant has been identified in one individual with DCM as well as in two family members (PMID: 35054181). This variant is not found in version 2.1.1 or version 3.1.2 of the Genome Aggregation Database. Based on the available evidence, the c.84504dup (p.Ser28169IlefsTer12) variant is classified as likely pathogenic for dilated cardiomyopathy.

Literature cited by the submitters: PubMed 35054181 (cited by Labcorp Genetics (formerly Invitae), Labcorp and Illumina Laboratory Services, Illumina); PubMed 25589632 (cited by Labcorp Genetics (formerly Invitae), Labcorp and Illumina Laboratory Services, Illumina); PubMed 23975875 (cited by Labcorp Genetics (formerly Invitae), Labcorp); PubMed 27869827 (cited by Illumina Laboratory Services, Illumina).

NM_001267550.2(TTN):c.84504dup (p.Ser28169fs)

Genes: TTN (titin; minus strand), TTN-AS1 (TTN antisense RNA 1; plus strand). Cytogenetic location: 2q31.2.
Variant type: Duplication.
Coding change: c.84504dup on transcript NM_001267550.2 (MANE Select); coding-DNA position 84504, one base duplicated (A; older notation c.84504dupA).
Protein change: p.Ser28169fs; shifts the reading frame from serine 28169.
Molecular consequence: frameshift variant.
Genome position (GRCh38, 1-based): chr2:178,561,628, T duplicated on the plus strand (A on the coding strand, the reverse complement: TTN is on the minus strand); the first of 4 consecutive T bases (chr2:178,561,628-178,561,631); duplicating any one gives the same sequence. VCF-style (leftmost placement, unchanged base first): chr2-178561627-A-AT. GRCh37 (hg19) VCF-style: chr2-179426354-A-AT.
Other names: c.79581dup, p.Ser26528fs (NM_001256850.1); c.57309dup, p.Ser19104fs (NM_003319.4); c.76800dup, p.Ser25601fs (NM_133378.4); c.57684dup, p.Ser19229fs (NM_133432.3); c.57885dup, p.Ser19296fs (NM_133437.4); short protein forms S19104fs, S19229fs, S19296fs, S25601fs, S26528fs, S28169fs.
Identifiers: ClinVar variation 2572999 (VCV002572999.3), dbSNP rs1703692114, ClinGen allele CA2580614472.